The following is an entry in ClinVar:

ClinVar aggregate classification (germline): Uncertain significance (1 of 4 stars; one submission).

Submission:

GeneDx
Classification: Uncertain significance. Last evaluated: 2026-02-04. Review status: criteria provided, single submitter. Criteria: GeneDx Variant Classification Process June 2021. Collection method: clinical testing. Allele origin: germline.
Comment: Not observed at significant frequency in large population cohorts (gnomAD); In silico analysis supports that this missense variant has a deleterious effect on protein structure/function; Has not been previously published as pathogenic or benign to our knowledge

NM_014423.4(AFF4):c.46A>G (p.Arg16Gly)

Gene: AFF4 (ALF transcription elongation factor 4; minus strand). Cytogenetic location: 5q31.1.
Variant type: single nucleotide variant.
Coding change: c.46A>G on transcript NM_014423.4 (MANE Select); coding-DNA position 46, A replaced by G.
Protein change: p.Arg16Gly; replaces arginine 16 with glycine.
Molecular consequence: missense variant.
Genome position (GRCh38, 1-based): chr5:132,937,144, T>C on the plus strand (A>G on the coding strand, the complement: AFF4 is on the minus strand). VCF-style: chr5-132937144-T-C. GRCh37 (hg19) VCF-style: chr5-132272836-T-C.
Other names: short protein forms R16G.
Identifiers: ClinVar variation 4976220 (VCV004976220.1).